The following is an entry in ClinVar:

ClinVar aggregate classification (germline): Uncertain significance (1 of 4 stars; one submission).

Allele frequency attached by ClinVar (database versions not stated): gnomAD exomes 0.00001; ExAC 0.00001.
gnomAD v4.1: 12 of 1,613,686 alleles (0.00074%); highest among the groups gnomAD compares: Non-Finnish European, 0.00093%; no homozygotes.

Submission:

Labcorp Genetics (formerly Invitae), Labcorp
Classification: Uncertain significance. Last evaluated: 2025-07-16. Review status: criteria provided, single submitter. Criteria: Invitae Variant Classification Sherloc (09022015). Collection method: clinical testing. Allele origin: germline.
Comment: This sequence change replaces alanine, which is neutral and non-polar, with threonine, which is neutral and polar, at codon 222 of the ENPP1 protein (p.Ala222Thr). This variant is present in population databases (rs764155541, gnomAD 0.0009%). This variant has not been reported in the literature in individuals affected with ENPP1-related conditions. ClinVar contains an entry for this variant (Variation ID: 2826382). Invitae Evidence Modeling of protein sequence and biophysical properties (such as structural, functional, and spatial information, amino acid conservation, physicochemical variation, residue mobility, and thermodynamic stability) indicates that this missense variant is expected to disrupt ENPP1 protein function with a positive predictive value of 80%. In summary, the available evidence is currently insufficient to determine the role of this variant in disease. Therefore, it has been classified as a Variant of Uncertain Significance.

NM_006208.3(ENPP1):c.664G>A (p.Ala222Thr)

Gene: ENPP1 (ectonucleotide pyrophosphatase/phosphodiesterase 1; plus strand). Cytogenetic location: 6q23.2.
Variant type: single nucleotide variant.
Coding change: c.664G>A on transcript NM_006208.3 (MANE Select); coding-DNA position 664, G replaced by A.
Protein change: p.Ala222Thr; replaces alanine 222 with threonine.
Molecular consequence: missense variant.
Genome position (GRCh38, 1-based): chr6:131,854,972, G>A. VCF-style: chr6-131854972-G-A. GRCh37 (hg19) VCF-style: chr6-132176112-G-A.
Other names: short protein forms A222T.
Identifiers: ClinVar variation 2826382 (VCV002826382.3), dbSNP rs764155541, ClinGen allele CA4001980.